The following is an entry in ClinVar:

ClinVar aggregate classification (germline): Uncertain significance (1 of 4 stars; one submission).

Conditions:
Intellectual disability, autosomal recessive 53 (NEDHSCA). Also called: NEURODEVELOPMENTAL DISORDER WITH OR WITHOUT HYPOTONIA, SEIZURES, AND CEREBELLAR ATROPHY; GLYCOSYLPHOSPHATIDYLINOSITOL BIOSYNTHESIS DEFECT 13; Mental retardation, autosomal recessive 53. Identifiers: Orphanet 488635, MedGen C4310794, MONDO:0014832, OMIM 616917.

Allele frequency attached by ClinVar (database versions not stated): gnomAD exomes below 0.00001 and 0.00001.
gnomAD v4.1: 2 of 1,613,090 alleles (0.00012%); highest among the groups gnomAD compares: Admixed American, 0.0033%; no homozygotes.

Submission:

Labcorp Genetics (formerly Invitae), Labcorp
Classification: Uncertain significance for Intellectual disability, autosomal recessive 53. Last evaluated: 2022-07-05. Review status: criteria provided, single submitter. Criteria: Invitae Variant Classification Sherloc (09022015). Collection method: clinical testing. Allele origin: germline.
Comment: In summary, the available evidence is currently insufficient to determine the role of this variant in disease. Therefore, it has been classified as a Variant of Uncertain Significance. Algorithms developed to predict the effect of missense changes on protein structure and function are either unavailable or do not agree on the potential impact of this missense change (SIFT: "Deleterious"; PolyPhen-2: "Possibly Damaging"; Align-GVGD: "Class C0"). ClinVar contains an entry for this variant (Variation ID: 1369964). This variant has not been reported in the literature in individuals affected with PIGG-related conditions. This variant is present in population databases (no rsID available, gnomAD 0.003%). This sequence change replaces threonine, which is neutral and polar, with isoleucine, which is neutral and non-polar, at codon 165 of the PIGG protein (p.Thr165Ile).

NM_001127178.3(PIGG):c.494C>T (p.Thr165Ile)

Gene: PIGG (phosphatidylinositol glycan anchor biosynthesis class G (EMM blood group); plus strand). Cytogenetic location: 4p16.3.
Variant type: single nucleotide variant.
Coding change: c.494C>T on transcript NM_001127178.3 (MANE Select); coding-DNA position 494, C replaced by T.
Protein change: p.Thr165Ile; replaces threonine 165 with isoleucine.
Molecular consequence: missense variant. On other transcripts: 5 prime UTR variant (4), non-coding transcript variant (10), intron variant (1).
Genome position (GRCh38, 1-based): chr4:505,851, C>T. VCF-style: chr4-505851-C-T. GRCh37 (hg19) VCF-style: chr4-499640-C-T.
Other names: c.227C>T, p.Thr76Ile (NM_001289051.2, NM_001289053.2, NM_001289057.2 and 2 more transcripts); c.128C>T, p.Thr43Ile (NM_001289055.2); c.-394C>T (NM_001345988.2); c.494C>T, p.Thr165Ile (NM_001345989.2, NM_017733.5); c.-1132C>T (NM_001345990.2); c.-994C>T (NM_001345991.2); c.-719C>T (NM_001345994.2); c.361-2978C>T (NM_001289052.2); short protein forms T43I, T76I, T165I.
Identifiers: ClinVar variation 1369964 (VCV001369964.6), dbSNP rs1553878822, ClinGen allele CA355895402.
Genomic context (GRCh38, chr4:505,851, plus strand): 5'-ACAGTGTGATAAGACAAGCAAAAGCAGCTGGAAAAAGAATAGTCTTTTATGGAGATGAAA[C>T]CTGGGTTAAATTATTCCCAAAGCATTTTGTGGAATATGATGGAACAACCTCATTTTTCGT-3'
Protein context (NP_001120650.1, residues 155-175): GKRIVFYGDE[Thr165Ile]WVKLFPKHFV